The following is an entry in ClinVar:

NM_004526.4(MCM2):c.823G>A (p.Asp275Asn)

Gene: MCM2 (minichromosome maintenance complex component 2; plus strand). Cytogenetic location: 3q21.3.
Variant type: single nucleotide variant.
Coding change: c.823G>A on transcript NM_004526.4 (MANE Select); coding-DNA position 823, G replaced by A.
Protein change: p.Asp275Asn; replaces aspartic acid 275 with asparagine.
Molecular consequence: missense variant. On other transcripts: non-coding transcript variant (1).
Genome position (GRCh38, 1-based): chr3:127,606,267, G>A. VCF-style: chr3-127606267-G-A. GRCh37 (hg19) VCF-style: chr3-127325110-G-A.
Other names: c.823G>A (NM_004526.3); short protein forms D275N.
Identifiers: ClinVar variation 2078131 (VCV002078131.5), dbSNP rs144753488, ClinGen allele CA2595720.

ClinVar aggregate classification (germline): Likely benign. Review status: criteria provided, multiple submitters, no conflicts (2 of 4 stars). 2 submissions from 2 submitters: Likely benign (2). Last evaluated 2025-05-10.

Conditions:
MCM2-related disorder. Also called: MCM2-related condition.

Allele frequency attached by ClinVar (database versions not stated): gnomAD exomes 0.00009; TOPMed 0.00009; gnomAD 0.00013; ExAC 0.00015; 1000 Genomes Project 30x 0.00016; 1000 Genomes Project 0.00020; ESP Exome Variant Server 0.00038.

Submissions (2):

PreventionGenetics, part of Exact Sciences
Classification: Likely benign for MCM2-related condition. Last evaluated: 2025-05-10. Review status: criteria provided, single submitter. Criteria: ACMG Guidelines, 2015. Collection method: clinical testing. Allele origin: germline.
Comment: This variant is classified as likely benign based on ACMG/AMP sequence variant interpretation guidelines (Richards et al. 2015 PMID: 25741868, with internal and published modifications).

Labcorp Genetics (formerly Invitae), Labcorp
Classification: Likely benign. Last evaluated: 2024-04-14. Review status: criteria provided, single submitter. Criteria: Invitae Variant Classification Sherloc (09022015). Collection method: clinical testing. Allele origin: germline.